The following is an entry in ClinVar:

NM_001046.3(SLC12A2):c.3070A>G (p.Ile1024Val)

Gene: SLC12A2 (solute carrier family 12 member 2; plus strand). Cytogenetic location: 5q23.3.
Variant type: single nucleotide variant.
Coding change: c.3070A>G on transcript NM_001046.3 (MANE Select); coding-DNA position 3070, A replaced by G.
Protein change: p.Ile1024Val; replaces isoleucine 1024 with valine.
Molecular consequence: missense variant. On other transcripts: non-coding transcript variant (1).
Genome position (GRCh38, 1-based): chr5:128,178,659, A>G. VCF-style: chr5-128178659-A-G. GRCh37 (hg19) VCF-style: chr5-127514351-A-G.
Other names: c.3022A>G, p.Ile1008Val (NM_001256461.2); short protein forms I1008V, I1024V.
Identifiers: ClinVar variation 2720737 (VCV002720737.3), dbSNP rs1201998148, ClinGen allele CA360738476.
Genomic context (GRCh38, chr5:128,178,659, plus strand): 5'-GCTGACCAAAAGCTTCTTGAAGCTAGTACACAGTTTCAGAAAAAACAAGGAAAGAATACT[A>G]TTGATGTCTGGTGGCTTTTTGATGATGGAGGTAAGGTTGTTAATTTTTTTAAAATGATTT-3'
Protein context (NP_001037.1, residues 1014-1034): QFQKKQGKNT[Ile1024Val]DVWWLFDDGG

ClinVar aggregate classification (germline): Uncertain significance (1 of 4 stars; one submission).

Allele frequency attached by ClinVar (database versions not stated): gnomAD exomes below 0.00001; gnomAD 0.00001.
gnomAD v4.1: 6 of 1,585,486 alleles (0.00038%); highest among the groups gnomAD compares: Non-Finnish European, 0.00051%; no homozygotes.

Submission:

Labcorp Genetics (formerly Invitae), Labcorp
Classification: Uncertain significance. Last evaluated: 2025-06-14. Review status: criteria provided, single submitter. Criteria: Invitae Variant Classification Sherloc (09022015). Collection method: clinical testing. Allele origin: germline.
Comment: This sequence change replaces isoleucine, which is neutral and non-polar, with valine, which is neutral and non-polar, at codon 1024 of the SLC12A2 protein (p.Ile1024Val). This variant is present in population databases (no rsID available, gnomAD 0.002%). This variant has not been reported in the literature in individuals affected with SLC12A2-related conditions. ClinVar contains an entry for this variant (Variation ID: 2720737). Invitae Evidence Modeling of protein sequence and biophysical properties (such as structural, functional, and spatial information, amino acid conservation, physicochemical variation, residue mobility, and thermodynamic stability) indicates that this missense variant is not expected to disrupt SLC12A2 protein function with a negative predictive value of 80%. In summary, the available evidence is currently insufficient to determine the role of this variant in disease. Therefore, it has been classified as a Variant of Uncertain Significance.